The following is an entry in ClinVar:

NM_007118.4(TRIO):c.3028G>T (p.Val1010Phe)

Gene: TRIO (trio Rho guanine nucleotide exchange factor; plus strand). Cytogenetic location: 5p15.2.
Variant type: single nucleotide variant.
Coding change: c.3028G>T on transcript NM_007118.4 (MANE Select); coding-DNA position 3028, G replaced by T.
Protein change: p.Val1010Phe; replaces valine 1010 with phenylalanine.
Molecular consequence: missense variant. On other transcripts: non-coding transcript variant (1).
Genome position (GRCh38, 1-based): chr5:14,368,861, G>T. VCF-style: chr5-14368861-G-T. GRCh37 (hg19) VCF-style: chr5-14368970-G-T.
Other names: short protein forms V1010F.
Identifiers: ClinVar variation 1328888 (VCV001328888.4), dbSNP rs1050603011, ClinGen allele CA359215914.

ClinVar aggregate classification (germline): Uncertain significance (1 of 4 stars; one submission).

Submission:

GeneDx
Classification: Uncertain significance. Last evaluated: 2024-05-14. Review status: criteria provided, single submitter. Criteria: GeneDx Variant Classification Process June 2021. Collection method: clinical testing. Allele origin: germline. Affected: yes.
Comment: Not observed at significant frequency in large population cohorts (gnomAD); In silico analysis supports that this missense variant has a deleterious effect on protein structure/function; Has not been previously published as pathogenic or benign to our knowledge; This variant is associated with the following publications: (PMID: 27535533)